The following is an entry in ClinVar:

NM_001458.5(FLNC):c.3465G>C (p.Pro1155=)

Gene: FLNC (filamin C; plus strand). Cytogenetic location: 7q32.1.
Variant type: single nucleotide variant.
Coding change: c.3465G>C on transcript NM_001458.5 (MANE Select); coding-DNA position 3465, G replaced by C.
Protein change: p.Pro1155=; no amino-acid change (proline 1155 retained).
Molecular consequence: synonymous variant.
Genome position (GRCh38, 1-based): chr7:128,844,930, G>C. VCF-style: chr7-128844930-G-C. GRCh37 (hg19) VCF-style: chr7-128484984-G-C.
Other names: c.3465G>C, p.Pro1155= (NM_001127487.2).
Identifiers: ClinVar variation 2037694 (VCV002037694.4), dbSNP rs374686347, ClinGen allele CA4475049.

ClinVar aggregate classification (germline): Uncertain significance (1 of 4 stars; one submission).

Conditions:
Hypertrophic cardiomyopathy 26. Also called: Cardiomyopathy, familial hypertrophic, 26. Identifiers: Orphanet 75249, MedGen C4310749, MONDO:0014883, OMIM 617047.
Distal myopathy with posterior leg and anterior hand involvement. Also called: WILLIAMS DISTAL MYOPATHY. Identifiers: Orphanet 63273, MedGen C3279722, MONDO:0013550, OMIM 614065.
Myofibrillar myopathy 5. Also called: FILAMINOPATHY, AUTOSOMAL DOMINANT; Filaminopathy (type). Identifiers: Orphanet 171445, MedGen C1836050, MONDO:0012289, OMIM 609524.

Allele frequency attached by ClinVar (database versions not stated): ESP Exome Variant Server 0.00008.
gnomAD v4.1: 7 of 1,613,760 alleles (0.00043%); highest among the groups gnomAD compares: African/African-American, 0.008%; no homozygotes.

Submission:

Labcorp Genetics (formerly Invitae), Labcorp
Classification: Uncertain significance for Distal myopathy with posterior leg and anterior hand involvement; Myofibrillar myopathy 5; Hypertrophic cardiomyopathy 26. Last evaluated: 2023-03-16. Review status: criteria provided, single submitter. Criteria: Invitae Variant Classification Sherloc (09022015). Collection method: clinical testing. Allele origin: germline.
Comment: Algorithms developed to predict the effect of sequence changes on RNA splicing suggest that this variant may create or strengthen a splice site. In summary, the available evidence is currently insufficient to determine the role of this variant in disease. Therefore, it has been classified as a Variant of Uncertain Significance. ClinVar contains an entry for this variant (Variation ID: 2037694). This variant has not been reported in the literature in individuals affected with FLNC-related conditions. This variant is present in population databases (rs374686347, gnomAD 0.01%). This sequence change affects codon 1155 of the FLNC mRNA. It is a 'silent' change, meaning that it does not change the encoded amino acid sequence of the FLNC protein.